The following is an entry in ClinVar:

ClinVar aggregate classification (germline): Uncertain significance. Review status: criteria provided, multiple submitters, no conflicts (2 of 4 stars). 2 submissions from 2 submitters: Uncertain significance (2). Last evaluated 2024-05-24.

Conditions:
Inborn genetic diseases. Identifiers: MedGen C0950123, MeSH D030342.
Parkinsonism-dystonia, infantile. Identifiers: Orphanet 238455, MedGen C2751067, MONDO:0013150.

Allele frequency attached by ClinVar (database versions not stated): ExAC 0.00001; gnomAD exomes 0.00001; TOPMed 0.00001; gnomAD 0.00002.
gnomAD v4.1: 17 of 1,613,458 alleles (0.0011%); highest among the groups gnomAD compares: African/African-American, 0.0053%; no homozygotes.

Submissions (2):

Ambry Genetics
Classification: Uncertain significance for Inborn genetic diseases. Last evaluated: 2024-05-24. Review status: criteria provided, single submitter. Criteria: Ambry Variant Classification Scheme 2023. Collection method: clinical testing. Allele origin: germline.

Labcorp Genetics (formerly Invitae), Labcorp
Classification: Uncertain significance for Parkinsonism-dystonia, infantile. Last evaluated: 2022-07-28. Review status: criteria provided, single submitter. Criteria: Invitae Variant Classification Sherloc (09022015). Collection method: clinical testing. Allele origin: germline.
Comment: This sequence change replaces valine, which is neutral and non-polar, with methionine, which is neutral and non-polar, at codon 537 of the SLC6A3 protein (p.Val537Met). This variant is present in population databases (rs770121366, gnomAD 0.007%). This variant has not been reported in the literature in individuals affected with SLC6A3-related conditions. Algorithms developed to predict the effect of missense changes on protein structure and function are either unavailable or do not agree on the potential impact of this missense change (SIFT: "Deleterious"; PolyPhen-2: "Possibly Damaging"; Align-GVGD: "Class C0"). In summary, the available evidence is currently insufficient to determine the role of this variant in disease. Therefore, it has been classified as a Variant of Uncertain Significance.

NM_001044.5(SLC6A3):c.1609G>A (p.Val537Met)

Gene: SLC6A3 (solute carrier family 6 member 3). Cytogenetic location: 5p15.33.
Variant type: single nucleotide variant.
Coding change: c.1609G>A on transcript NM_001044.5 (MANE Select); coding-DNA position 1609, G replaced by A.
Protein change: p.Val537Met; replaces valine 537 with methionine.
Molecular consequence: missense variant.
Genome position (GRCh38, 1-based): chr5:1,403,080, C>T on the plus strand (G>A on the coding strand, the complement: SLC6A3 is on the minus strand). VCF-style: chr5-1403080-C-T. GRCh37 (hg19) VCF-style: chr5-1403195-C-T.
Other names: c.1609G>A (NM_001044.4); short protein forms V537M.
Identifiers: ClinVar variation 2164934 (VCV002164934.5), dbSNP rs770121366, ClinGen allele CA3185960.